The following is an entry in ClinVar:

ClinVar aggregate classification (germline): Uncertain significance (1 of 4 stars; one submission).

Submission:

Labcorp Genetics (formerly Invitae), Labcorp
Classification: Uncertain significance. Last evaluated: 2025-09-01. Review status: criteria provided, single submitter. Criteria: Invitae Variant Classification Sherloc (09022015). Collection method: clinical testing. Allele origin: germline.
Comment: This sequence change replaces threonine, which is neutral and polar, with serine, which is neutral and polar, at codon 496 of the ACVR1 protein (p.Thr496Ser). This variant is not present in population databases (gnomAD no frequency). This variant has not been reported in the literature in individuals affected with ACVR1-related conditions. An algorithm developed to predict the effect of missense changes on protein structure and function (PolyPhen-2) suggests that this variant is likely to be tolerated. In summary, the available evidence is currently insufficient to determine the role of this variant in disease. Therefore, it has been classified as a Variant of Uncertain Significance.

NM_001111067.4(ACVR1):c.1487C>G (p.Thr496Ser)

Gene: ACVR1 (activin A receptor type 1; minus strand). Cytogenetic location: 2q24.1.
Variant type: single nucleotide variant.
Coding change: c.1487C>G on transcript NM_001111067.4 (MANE Select); coding-DNA position 1487, C replaced by G.
Protein change: p.Thr496Ser; replaces threonine 496 with serine.
Molecular consequence: missense variant.
Genome position (GRCh38, 1-based): chr2:157,737,574, G>C on the plus strand (C>G on the coding strand, the complement: ACVR1 is on the minus strand). VCF-style: chr2-157737574-G-C. GRCh37 (hg19) VCF-style: chr2-158594086-G-C.
Other names: c.1487C>G, p.Thr496Ser (NM_001105.5, NM_001347663.1, NM_001347664.1 and 3 more transcripts); short protein forms T496S.
Identifiers: ClinVar variation 4724240 (VCV004724240.1).